The following is an entry in ClinVar:

NM_000484.4(APP):c.*663C>T

Gene: APP (amyloid beta precursor protein; minus strand). Cytogenetic location: 21q21.3.
Variant type: single nucleotide variant.
Coding change: c.*663C>T on transcript NM_000484.4 (MANE Select); 663 bases downstream of the stop codon, C replaced by T.
Molecular consequence: 3 prime UTR variant.
Genome position (GRCh38, 1-based): chr21:25,881,007, G>A on the plus strand (C>T on the coding strand, the complement: APP is on the minus strand). VCF-style: chr21-25881007-G-A. GRCh37 (hg19) VCF-style: chr21-27253318-G-A.
Other names: c.*663C>T (NM_001136016.3, NM_001136129.3, NM_001136130.3 and 7 more transcripts).
Identifiers: ClinVar variation 896305 (VCV000896305.4), dbSNP rs572356515, ClinGen allele CA319553065.

ClinVar aggregate classification (germline): Likely benign (1 of 4 stars; one submission).

Conditions:
Alzheimer disease. Also called: Presenile and senile dementia; Alzheimer's disease. Identifiers: Orphanet 1020, MedGen C0002395, MeSH D000544, MONDO:0004975, HP:0002511.

Allele frequency attached by ClinVar (database versions not stated): TOPMed 0.00002; gnomAD 0.00003 and 0.00005; 1000 Genomes Project 0.00040; 1000 Genomes Project 30x 0.00047.
gnomAD v4.1: 6 of 134,164 alleles (0.0045%); highest among the groups gnomAD compares: Non-Finnish European, 0.0063%; no homozygotes.

Submission:

Illumina Laboratory Services, Illumina
Classification: Likely benign for Alzheimer disease type 1. Last evaluated: 2018-01-13. Review status: criteria provided, single submitter. Criteria: ICSL Variant Classification Criteria 13 December 2019. Collection method: clinical testing. Allele origin: germline.
Comment: This variant was observed in the ICSL laboratory as part of a predisposition screen in an ostensibly healthy population. It had not been previously curated by ICSL or reported in the Human Gene Mutation Database (HGMD: prior to June 1st, 2018), and was therefore a candidate for classification through an automated scoring system. Utilizing variant allele frequency, disease prevalence and penetrance estimates, and inheritance mode, an automated score was calculated to assess if this variant is too frequent to cause the disease. Based on the score and internal cut-off values, a variant classified as likely benign is not then subjected to further curation. The score for this variant resulted in a classification of likely benign for this disease.